The following is an entry in ClinVar:

ClinVar aggregate classification (germline): Pathogenic (1 of 4 stars; one submission).

Conditions:
Neurofibromatosis, type 1 (NF1). Also called: VON RECKLINGHAUSEN DISEASE; NEUROFIBROMATOSIS, TYPE I, SOMATIC; Peripheral type neurofibromatosis; Neurofibromatosis, type I. Identifiers: Orphanet 636, MedGen C0027831, MONDO:0018975, OMIM 162200. Disease mechanism: loss of function.

Submission:

Labcorp Genetics (formerly Invitae), Labcorp
Classification: Pathogenic for Neurofibromatosis, type 1. Last evaluated: 2017-07-24. Review status: criteria provided, single submitter. Criteria: Invitae Variant Classification Sherloc (09022015). Collection method: clinical testing. Allele origin: germline.
Comment: Loss-of-function variants in NF1 are known to be pathogenic (PMID: 10712197, 23913538). This variant has not been reported in the literature in individuals with NF1-related disease. This variant is not present in population databases (ExAC no frequency). This sequence change creates a premature translational stop signal (p.Leu2324Serfs*6) in the NF1 gene. It is expected to result in an absent or disrupted protein product. For these reasons, this variant has been classified as Pathogenic.

Literature cited by the submitters: PubMed 10712197; PubMed 23913538.

NM_001042492.3(NF1):c.7034_7041del (p.Leu2345fs)

Gene: NF1 (neurofibromin 1; plus strand). Cytogenetic location: 17q11.2.
Variant type: Deletion.
Coding change: c.7034_7041del on transcript NM_001042492.3 (MANE Select); coding-DNA positions 7034 to 7041, 8 bases deleted (TAGATAGT; older notation c.7034_7041delTAGATAGT).
Protein change: p.Leu2345fs; shifts the reading frame from leucine 2345.
Molecular consequence: frameshift variant.
Genome position (GRCh38, 1-based): chr17:31,340,617-31,340,624, TAGATAGT deleted; deleting any 8 consecutive bases within chr17:31,340,616-31,340,624 gives the same sequence; the c. name uses the placement nearest the transcript's 3' end. VCF-style (leftmost placement, unchanged base first): chr17-31340615-TTTAGATAG-T. GRCh37 (hg19) VCF-style: chr17-29667633-TTTAGATAG-T.
Other names: c.6971_6978delTAGATAGT (NM_000267.3); c.6971_6978delTAGATAGT, p.Leu2324Serfs (NM_000267.4); short protein forms L2324fs, L2345fs.
Identifiers: ClinVar variation 457815 (VCV000457815.5), dbSNP rs1555535192, ClinGen allele CA658658596.
Genomic context (GRCh38, chr17:31,340,615, plus strand): 5'-GCTTGATGAGGTCAACTTGTATTCAGCAGGTACCGCACTTCTTGAACAAAACCTGCATAC[TTTAGATAG>T]TCTCCGTATATTCAATGACAAGGTAAGCAAACTTTGCCTTGAGGTTCCTAGATTACTCAA-3'